The following is an entry in ClinVar:

ClinVar aggregate classification (germline): Uncertain significance. Review status: criteria provided, multiple submitters, no conflicts (2 of 4 stars). 3 submissions from 3 submitters: Uncertain significance (3). Last evaluated 2024-01-14.

Conditions:
Hereditary cancer-predisposing syndrome. Also called: Neoplastic Syndromes, Hereditary; Hereditary Cancer Syndrome; Tumor predisposition; Hereditary neoplastic syndrome. Identifiers: Orphanet 140162, MedGen C0027672, MeSH D009386, MONDO:0015356.
Hereditary nonpolyposis colorectal neoplasms. Identifiers: MedGen C0009405, MeSH D003123.

Submissions (3):

Labcorp Genetics (formerly Invitae), Labcorp
Classification: Uncertain significance for Hereditary nonpolyposis colorectal neoplasms. Last evaluated: 2024-01-14. Review status: criteria provided, single submitter. Criteria: Invitae Variant Classification Sherloc (09022015). Collection method: clinical testing. Allele origin: germline.
Comment: This sequence change replaces threonine, which is neutral and polar, with proline, which is neutral and non-polar, at codon 217 of the PMS2 protein (p.Thr217Pro). This variant is not present in population databases (gnomAD no frequency). This variant has not been reported in the literature in individuals affected with PMS2-related conditions. ClinVar contains an entry for this variant (Variation ID: 854254). Advanced modeling of protein sequence and biophysical properties (such as structural, functional, and spatial information, amino acid conservation, physicochemical variation, residue mobility, and thermodynamic stability) performed at Invitae indicates that this missense variant is expected to disrupt PMS2 protein function with a positive predictive value of 80%. In summary, the available evidence is currently insufficient to determine the role of this variant in disease. Therefore, it has been classified as a Variant of Uncertain Significance.

Quest Diagnostics Nichols Institute San Juan Capistrano
Classification: Uncertain significance. Last evaluated: 2023-11-21. Review status: criteria provided, single submitter. Criteria: Quest Diagnostics criteria. Collection method: clinical testing. Allele origin: unknown.
Comment: The PMS2 c.649A>C (p.Thr217Pro) variant has not been reported in individuals with PMS2-related conditions in the published literature. It also has not been reported in large, multi-ethnic general populations (Genome Aggregation Database). Analysis of this variant using bioinformatics tools for the prediction of the effect of amino acid changes on protein structure and function yielded conflicting predictions that this variant is benign or damaging. Based on the available information, we are unable to determine the clinical significance of this variant.

Ambry Genetics
Classification: Uncertain significance for Hereditary cancer-predisposing syndrome. Last evaluated: 2022-08-30. Review status: criteria provided, single submitter. Criteria: Ambry Variant Classification Scheme 2023. Collection method: clinical testing. Allele origin: germline.
Comment: The p.T217P variant (also known as c.649A>C), located in coding exon 6 of the PMS2 gene, results from an A to C substitution at nucleotide position 649. The threonine at codon 217 is replaced by proline, an amino acid with highly similar properties. This amino acid position is conserved. In addition, this alteration is predicted to be deleterious by in silico analysis. Since supporting evidence is limited at this time, the clinical significance of this alteration remains unclear.

NM_000535.7(PMS2):c.649A>C (p.Thr217Pro)

Gene: PMS2 (PMS1 homolog 2, mismatch repair system component; minus strand). Cytogenetic location: 7p22.1.
Variant type: single nucleotide variant.
Coding change: c.649A>C on transcript NM_000535.7 (MANE Select); coding-DNA position 649, A replaced by C.
Protein change: p.Thr217Pro; replaces threonine 217 with proline.
Molecular consequence: missense variant. On other transcripts: 5 prime UTR variant (2), non-coding transcript variant (1), intron variant (1).
Genome position (GRCh38, 1-based): chr7:5,999,164, T>G on the plus strand (A>C on the coding strand, the complement: PMS2 is on the minus strand). VCF-style: chr7-5999164-T-G. GRCh37 (hg19) VCF-style: chr7-6038795-T-G.
Other names: c.649A>C (NM_000535.6); c.244A>C, p.Thr82Pro (NM_001322003.2, NM_001322004.2, NM_001322005.2 and 2 more transcripts); c.649A>C, p.Thr217Pro (NM_001322006.2, NM_001322014.2); c.331A>C, p.Thr111Pro (NM_001322007.2, NM_001322008.2); c.-285A>C (NM_001322011.2, NM_001322012.2); c.340A>C, p.Thr114Pro (NM_001322015.2); c.133-1741A>C (NM_001322013.2); short protein forms T217P, T111P, T114P, T82P.
Identifiers: ClinVar variation 854254 (VCV000854254.11), dbSNP rs1784800451, ClinGen allele CA366743917.